The following is an entry in ClinVar:

ClinVar aggregate classification (germline): Uncertain significance (1 of 4 stars; one submission).

Conditions:
Spastic paraplegia. Identifiers: MedGen C0037772, HP:0001258.

gnomAD v4.1: 1 of 1,612,854 alleles (0.000062%); highest among the groups gnomAD compares: Non-Finnish European, 0.000085%; no homozygotes.

Submission:

Labcorp Genetics (formerly Invitae), Labcorp
Classification: Uncertain significance for Spastic paraplegia. Last evaluated: 2022-05-25. Review status: criteria provided, single submitter. Criteria: Invitae Variant Classification Sherloc (09022015). Collection method: clinical testing. Allele origin: germline.
Comment: This sequence change replaces alanine, which is neutral and non-polar, with valine, which is neutral and non-polar, at codon 2652 of the SACS protein (p.Ala2652Val). This variant is not present in population databases (gnomAD no frequency). This variant has not been reported in the literature in individuals affected with SACS-related conditions. Advanced modeling of protein sequence and biophysical properties (such as structural, functional, and spatial information, amino acid conservation, physicochemical variation, residue mobility, and thermodynamic stability) performed at Invitae indicates that this missense variant is not expected to disrupt SACS protein function. In summary, the available evidence is currently insufficient to determine the role of this variant in disease. Therefore, it has been classified as a Variant of Uncertain Significance.

NM_014363.6(SACS):c.7955C>T (p.Ala2652Val)

Gene: SACS (sacsin molecular chaperone; minus strand). Cytogenetic location: 13q12.12.
Variant type: single nucleotide variant.
Coding change: c.7955C>T on transcript NM_014363.6 (MANE Select); coding-DNA position 7955, C replaced by T.
Protein change: p.Ala2652Val; replaces alanine 2652 with valine.
Molecular consequence: missense variant.
Genome position (GRCh38, 1-based): chr13:23,335,921, G>A on the plus strand (C>T on the coding strand, the complement: SACS is on the minus strand). VCF-style: chr13-23335921-G-A. GRCh37 (hg19) VCF-style: chr13-23910060-G-A.
Other names: c.7514C>T, p.Ala2505Val (NM_001278055.2); short protein forms A2505V, A2652V.
Identifiers: ClinVar variation 1998700 (VCV001998700.4), dbSNP rs776928430, ClinGen allele CA387517698.